The following is an entry in ClinVar:

ClinVar aggregate classification (germline): Pathogenic (1 of 4 stars; one submission).

Conditions:
Hajdu-Cheney syndrome (HJCYS). Also called: Acroosteolysis dominant type; SERPENTINE FIBULA-POLYCYSTIC KIDNEY SYNDROME; ACROOSTEOLYSIS WITH OSTEOPOROSIS AND CHANGES IN SKULL AND MANDIBLE. Identifiers: Orphanet 955, MedGen C0917715, MONDO:0007057, OMIM 102500.

Submission:

Labcorp Genetics (formerly Invitae), Labcorp
Classification: Pathogenic for Hajdu-Cheney syndrome. Last evaluated: 2023-10-03. Review status: criteria provided, single submitter. Criteria: Invitae Variant Classification Sherloc (09022015). Collection method: clinical testing. Allele origin: germline.
Comment: This sequence change creates a premature translational stop signal (p.Cys745*) in the NOTCH2 gene. It is expected to result in an absent or disrupted protein product. Loss-of-function variants in NOTCH2 are known to be pathogenic (PMID: 16773578, 22209762). This variant is not present in population databases (gnomAD no frequency). This variant has not been reported in the literature in individuals affected with NOTCH2-related conditions. For these reasons, this variant has been classified as Pathogenic.

Literature cited by the submitters: PubMed 16773578; PubMed 22209762.

NM_024408.4(NOTCH2):c.2235_2236del (p.Cys745_Asp746delinsTer)

Gene: NOTCH2 (notch receptor 2; minus strand). Cytogenetic location: 1p12.
Variant type: Microsatellite.
Coding change: c.2235_2236del on transcript NM_024408.4 (MANE Select); coding-DNA positions 2235 to 2236, 2 bases deleted (TG; older notation c.2235_2236delTG).
Protein change: p.Cys745_Asp746delinsTer.
Molecular consequence: nonsense.
Genome position (GRCh38, 1-based): chr1:119,953,672-119,953,673, CA deleted on the plus strand (TG on the coding strand, the reverse complement: NOTCH2 is on the minus strand); deleting any 2 consecutive bases within chr1:119,953,672-119,953,675 gives the same sequence; the c. name uses the placement nearest the transcript's 3' end. VCF-style (leftmost placement, unchanged base first): chr1-119953671-TCA-T. GRCh37 (hg19) VCF-style: chr1-120496294-TCA-T.
Other names: c.2235_2236del, p.Cys745_Asp746delinsTer (NM_001200001.2).
Identifiers: ClinVar variation 1451302 (VCV001451302.6), dbSNP rs2101122493, ClinGen allele CA2580611481.